The following is an entry in ClinVar:

NM_000639.3(FASLG):c.497A>G (p.Tyr166Cys)

Gene: FASLG (Fas ligand; plus strand). Cytogenetic location: 1q24.3.
Variant type: single nucleotide variant.
Coding change: c.497A>G on transcript NM_000639.3 (MANE Select); coding-DNA position 497, A replaced by G.
Protein change: p.Tyr166Cys; replaces tyrosine 166 with cysteine.
Molecular consequence: missense variant. On other transcripts: 3 prime UTR variant (1).
Genome position (GRCh38, 1-based): chr1:172,665,667, A>G. VCF-style: chr1-172665667-A-G. GRCh37 (hg19) VCF-style: chr1-172634807-A-G.
Other names: c.*67A>G (NM_001302746.2); short protein forms Y166C.
Identifiers: ClinVar variation 806286 (VCV000806286.45), dbSNP rs760432021, ClinGen allele CA1247582.

ClinVar aggregate classification (germline): Uncertain significance. Review status: criteria provided, multiple submitters, no conflicts (2 of 4 stars). 2 submissions from 2 submitters: Uncertain significance (2). Last evaluated 2023-12-01.

Conditions:
Autoimmune lymphoproliferative syndrome type 1. Also called: AUTOIMMUNE LYMPHOPROLIFERATIVE SYNDROME, TYPE I, AUTOSOMAL DOMINANT. Identifiers: Orphanet 3261, MedGen C2717884, MONDO:0011158, OMIM 601859.

Allele frequency attached by ClinVar (database versions not stated): gnomAD exomes 0.00001 and 0.00004; ExAC 0.00002; gnomAD 0.00002; TOPMed 0.00002.
gnomAD v4.1: 64 of 1,614,068 alleles (0.004%); highest among the groups gnomAD compares: Non-Finnish European, 0.0054%; no homozygotes.

Submissions (2):

Labcorp Genetics (formerly Invitae), Labcorp
Classification: Uncertain significance for Autoimmune lymphoproliferative syndrome. Last evaluated: 2023-12-01. Review status: criteria provided, single submitter. Criteria: Invitae Variant Classification Sherloc (09022015). Collection method: clinical testing. Allele origin: germline.
Comment: This sequence change replaces tyrosine, which is neutral and polar, with cysteine, which is neutral and slightly polar, at codon 166 of the FASLG protein (p.Tyr166Cys). This variant is present in population databases (rs760432021, gnomAD 0.002%). This variant has not been reported in the literature in individuals affected with FASLG-related conditions. ClinVar contains an entry for this variant (Variation ID: 806286). Advanced modeling of protein sequence and biophysical properties (such as structural, functional, and spatial information, amino acid conservation, physicochemical variation, residue mobility, and thermodynamic stability) performed at Invitae indicates that this missense variant is not expected to disrupt FASLG protein function with a negative predictive value of 80%. In summary, the available evidence is currently insufficient to determine the role of this variant in disease. Therefore, it has been classified as a Variant of Uncertain Significance.

CeGaT Center for Human Genetics Tuebingen
Classification: Uncertain significance. Last evaluated: 2019-05-01. Review status: criteria provided, single submitter. Criteria: CeGaT Center For Human Genetics Tuebingen Variant Classification Criteria Version 2. Collection method: clinical testing. Allele origin: germline. Affected: yes. Observed: 3 variant alleles.